The following is an entry in ClinVar:

ClinVar aggregate classification (germline): Likely benign. Review status: criteria provided, multiple submitters, no conflicts (2 of 4 stars). 2 submissions from 2 submitters: Likely benign (2). Last evaluated 2026-03-01.

Allele frequency attached by ClinVar (database versions not stated): gnomAD exomes 0.00001; ExAC 0.00002; gnomAD 0.00005; TOPMed 0.00009.
gnomAD v4.1: 15 of 1,614,000 alleles (0.00093%); highest among the groups gnomAD compares: African/African-American, 0.019%; no homozygotes.

Submissions (2):

CeGaT Center for Human Genetics Tuebingen
Classification: Likely benign. Last evaluated: 2026-03-01. Review status: criteria provided, single submitter. Criteria: CeGaT Center For Human Genetics Tuebingen Variant Classification Criteria Version 2. Collection method: clinical testing. Allele origin: germline. Affected: yes. Observed: 1 variant allele.
Comment: CPLANE1: BP4, BP7

Labcorp Genetics (formerly Invitae), Labcorp
Classification: Likely benign. Last evaluated: 2025-11-18. Review status: criteria provided, single submitter. Criteria: Invitae Variant Classification Sherloc (09022015). Collection method: clinical testing. Allele origin: germline.

NM_001384732.1(CPLANE1):c.6006A>G (p.Lys2002=)

Gene: CPLANE1 (ciliogenesis and planar polarity effector complex subunit 1; minus strand). Cytogenetic location: 5p13.2.
Variant type: single nucleotide variant.
Coding change: c.6006A>G on transcript NM_001384732.1 (MANE Select); coding-DNA position 6006, A replaced by G.
Protein change: p.Lys2002=; no amino-acid change (lysine 2002 retained).
Molecular consequence: synonymous variant.
Genome position (GRCh38, 1-based): chr5:37,173,920, T>C on the plus strand (A>G on the coding strand, the complement: CPLANE1 is on the minus strand). VCF-style: chr5-37173920-T-C. GRCh37 (hg19) VCF-style: chr5-37174022-T-C.
Other names: c.6006A>G, p.Lys2002= (NM_023073.4).
Identifiers: ClinVar variation 2063534 (VCV002063534.8), dbSNP rs777584963, ClinGen allele CA3238353.